The following is an entry in ClinVar:

ClinVar aggregate classification (germline): Benign (3 of 4 stars; one submission).

Conditions:
Breast-ovarian cancer, familial, susceptibility to, 1 (BROVCA1). Also called: BRCA1 Hereditary Breast and Ovarian Cancer; OVARIAN CANCER, SUSCEPTIBILITY TO. Identifiers: Orphanet 145, MedGen C2676676, MONDO:0011450, OMIM 604370. Disease mechanism: loss of function.

Allele frequency attached by ClinVar (database versions not stated): 1000 Genomes Project 0.00479.
gnomAD v4.1: 782 of 151,276 alleles (0.52%); highest among the groups gnomAD compares: Middle Eastern, 1.4%; 2 homozygotes.

Submission:

Evidence-based Network for the Interpretation of Germline Mutant Alleles (ENIGMA)
Classification: Benign for Breast-ovarian cancer, familial 1. Last evaluated: 2015-01-12. Review status: reviewed by expert panel. Criteria: ENIGMA BRCA1/2 Classification Criteria (2015). Collection method: curation. Allele origin: germline.
Comment: Class 1 not pathogenic based on frequency >1% in an outbred sampleset. Frequency 0.01423 (African), derived from 1000 genomes (2012-04-30).

NM_007294.4(BRCA1):c.4675+569T>A

Gene: BRCA1 (BRCA1 DNA repair associated; minus strand). Cytogenetic location: 17q21.31.
Variant type: single nucleotide variant.
Coding change: c.4675+569T>A on transcript NM_007294.4 (MANE Select); 569 bases into the intron after coding-DNA position 4675, T replaced by A.
Molecular consequence: intron variant.
Genome position (GRCh38, 1-based): chr17:43,073,762, A>T on the plus strand (T>A on the coding strand, the complement: BRCA1 is on the minus strand). VCF-style: chr17-43073762-A-T. GRCh37 (hg19) VCF-style: chr17-41225779-A-T.
Other names: IVS 15+569T>A; c.4549+569T>A (NM_001407863.1, NM_001407679.1, NM_001407670.1 and 11 more transcripts); c.4552+569T>A (NM_001407938.1, NM_001407667.1, NM_001407668.1 and 6 more transcripts); c.1246+569T>A (NM_001408423.1, NM_001408421.1, NM_001408424.1 and 1 more transcripts); c.1249+569T>A (NM_001408420.1, NM_001408419.1, NM_001408418.1); c.1360+569T>A (NM_001408404.1, NM_001408402.1, NM_001408473.1 and 8 more transcripts); c.1363+569T>A (NM_001408472.1, NM_001407990.1, NM_007299.4 and 12 more transcripts); c.1366+569T>A (NM_001407974.1, NM_001407973.1, NM_001407975.1 and 3 more transcripts); and 72 more.
Identifiers: ClinVar variation 209367 (VCV000209367.2), dbSNP rs182629224, ClinGen allele CA276339.
Genomic context (GRCh38, chr17:43,073,762, plus strand): 5'-TTGGCCTTTGGACTCTTGTCTAACAGTTGAAATAAAATATATGTGTGTATATATATATAT[A>T]TATATTTTTTGAGATGGAGTCTTGCTCTGTCACCCAGACTGGAGTGCAGTGGTGTGATCT-3'